The following is an entry in ClinVar:

NM_000238.4(KCNH2):c.2003C>T (p.Ser668Leu)

Gene: KCNH2 (potassium voltage-gated channel subfamily H member 2; minus strand). Cytogenetic location: 7q36.1.
Variant type: single nucleotide variant.
Coding change: c.2003C>T on transcript NM_000238.4 (MANE Select); coding-DNA position 2003, C replaced by T.
Protein change: p.Ser668Leu; replaces serine 668 with leucine.
Molecular consequence: missense variant.
Genome position (GRCh38, 1-based): chr7:150,951,063, G>A on the plus strand (C>T on the coding strand, the complement: KCNH2 is on the minus strand). VCF-style: chr7-150951063-G-A. GRCh37 (hg19) VCF-style: chr7-150648151-G-A.
Other names: c.983C>T, p.Ser328Leu (NM_001204798.2, NM_172057.3); c.1715C>T, p.Ser572Leu (NM_001406753.1, NM_001406756.1); c.1826C>T, p.Ser609Leu (NM_001406755.1); c.1703C>T, p.Ser568Leu (NM_001406757.1); c.2003C>T, p.Ser668Leu (NM_172056.3); short protein forms S328L, S568L, S572L, S609L, S668L.
Identifiers: ClinVar variation 1784281 (VCV001784281.8), dbSNP rs749211387, ClinGen allele CA030317.

ClinVar aggregate classification (germline): Uncertain significance. Review status: criteria provided, multiple submitters, no conflicts (2 of 4 stars). 3 submissions from 3 submitters: Uncertain significance (3). Last evaluated 2024-10-28.

Conditions:
Cardiovascular phenotype. Identifiers: MedGen CN230736.
Long QT syndrome (LQTS). Identifiers: MedGen C0023976, MeSH D008133, MONDO:0002442. Disease mechanism: loss of function. Inheritance: Various modes of inheritance.

Allele frequency attached by ClinVar (database versions not stated): gnomAD exomes below 0.00001; ExAC 0.00001.
gnomAD v4.1: 3 of 1,613,908 alleles (0.00019%); highest among the groups gnomAD compares: Non-Finnish European, 0.000085%; no homozygotes.

Submissions (3):

Labcorp Genetics (formerly Invitae), Labcorp
Classification: Uncertain significance for Long QT syndrome. Last evaluated: 2024-10-28. Review status: criteria provided, single submitter. Criteria: Invitae Variant Classification Sherloc (09022015). Collection method: clinical testing. Allele origin: germline.
Comment: This sequence change replaces serine, which is neutral and polar, with leucine, which is neutral and non-polar, at codon 668 of the KCNH2 protein (p.Ser668Leu). This variant is present in population databases (rs749211387, gnomAD 0.002%). This missense change has been observed in individual(s) with clinical features of arrhythmia (PMID: 26228265). ClinVar contains an entry for this variant (Variation ID: 1784281). An algorithm developed to predict the effect of missense changes on protein structure and function (PolyPhen-2) suggests that this variant is likely to be disruptive. In summary, the available evidence is currently insufficient to determine the role of this variant in disease. Therefore, it has been classified as a Variant of Uncertain Significance.

Ambry Genetics
Classification: Uncertain significance for Cardiovascular phenotype. Last evaluated: 2023-12-18. Review status: criteria provided, single submitter. Criteria: Ambry Variant Classification Scheme 2023. Collection method: clinical testing. Allele origin: germline.
Comment: The p.S668L variant (also known as c.2003C>T), located in coding exon 8 of the KCNH2 gene, results from a C to T substitution at nucleotide position 2003. The serine at codon 668 is replaced by leucine, an amino acid with dissimilar properties. This variant was reported in a sudden death case with limited clinical details provided (Stattin EL et al. Int J Legal Med, 2016 Jan;130:59-66). This amino acid position is highly conserved in available vertebrate species. In addition, this alteration is predicted to be deleterious by in silico analysis. Since supporting evidence is limited at this time, the clinical significance of this alteration remains unclear.

Blueprint Genetics
Classification: Uncertain significance. Last evaluated: 2022-04-01. Review status: criteria provided, single submitter. Criteria: ACMG Guidelines, 2015. Collection method: clinical testing. Allele origin: germline.

Literature cited by the submitters: PubMed 26228265 (cited by Labcorp Genetics (formerly Invitae), Labcorp and Ambry Genetics).